The following is an entry in ClinVar:

NM_006361.6(HOXB13):c.670A>C (p.Ser224Arg)

Gene: HOXB13 (homeobox B13; minus strand). Cytogenetic location: 17q21.32.
Variant type: single nucleotide variant.
Coding change: c.670A>C on transcript NM_006361.6 (MANE Select); coding-DNA position 670, A replaced by C.
Protein change: p.Ser224Arg; replaces serine 224 with arginine.
Molecular consequence: missense variant.
Genome position (GRCh38, 1-based): chr17:48,726,975, T>G on the plus strand (A>C on the coding strand, the complement: HOXB13 is on the minus strand). VCF-style: chr17-48726975-T-G. GRCh37 (hg19) VCF-style: chr17-46804337-T-G.
Other names: short protein forms S224R.
Identifiers: ClinVar variation 1379763 (VCV001379763.8), dbSNP rs2143067102, ClinGen allele CA400106733.
Genomic context (GRCh38, chr17:48,726,975, plus strand): 5'-CCTTGGTGATGAACTTGTTAGCCGCATACTCCCGCTCCAGCTCCCGCAACTGCCCCTTGC[T>G]GTACGGAATGCGTTTCTTGCGGCCGCGACGAAAGGCGCAGGCGTCAGGAGGGTGCTGCCC-3'
Protein context (NP_006352.2, residues 214-234): RRGRKKRIPY[Ser224Arg]KGQLRELERE

ClinVar aggregate classification (germline): Uncertain significance (1 of 4 stars; one submission).

Allele frequency attached by ClinVar (database versions not stated): gnomAD exomes below 0.00001.
gnomAD v4.1: 1 of 1,613,180 alleles (0.000062%); highest among the groups gnomAD compares: Non-Finnish European, 0.000085%; no homozygotes.

Submission:

Labcorp Genetics (formerly Invitae), Labcorp
Classification: Uncertain significance. Last evaluated: 2024-03-02. Review status: criteria provided, single submitter. Criteria: Invitae Variant Classification Sherloc (09022015). Collection method: clinical testing. Allele origin: germline.
Comment: This sequence change replaces serine, which is neutral and polar, with arginine, which is basic and polar, at codon 224 of the HOXB13 protein (p.Ser224Arg). This variant is not present in population databases (gnomAD no frequency). This variant has not been reported in the literature in individuals affected with HOXB13-related conditions. ClinVar contains an entry for this variant (Variation ID: 1379763). Advanced modeling of protein sequence and biophysical properties (such as structural, functional, and spatial information, amino acid conservation, physicochemical variation, residue mobility, and thermodynamic stability) has been performed at Invitae for this missense variant, however the output from this modeling did not meet the statistical confidence thresholds required to predict the impact of this variant on HOXB13 protein function. In summary, the available evidence is currently insufficient to determine the role of this variant in disease. Therefore, it has been classified as a Variant of Uncertain Significance.